The following is an entry in ClinVar:

ClinVar aggregate classification (germline): Conflicting classifications of pathogenicity. Review status: criteria provided, conflicting classifications (1 of 4 stars). 6 submissions from 6 submitters: Uncertain significance (3); Benign (1); Likely benign (2). Last evaluated 2026-06-23.

Conditions:
TTN-related disorder. Also called: TTN-related condition; TTN-related disease; TTN-related disorders.
Cardiovascular phenotype. Identifiers: MedGen CN230736.
Autosomal recessive limb-girdle muscular dystrophy type 2J (LGMDR10). Also called: MUSCULAR DYSTROPHY, LIMB-GIRDLE, AUTOSOMAL RECESSIVE 10; Limb-girdle muscular dystrophy, type 2J. Identifiers: Orphanet 140922, MedGen C1837342, MONDO:0012127, OMIM 608807.
Dilated cardiomyopathy 1G (CMD1G). Identifiers: Orphanet 154, MedGen C1858763, MONDO:0011400, OMIM 604145.
Cardiomyopathy (CMYO). Also called: Cardiomyopathies. Identifiers: Orphanet 167848, MedGen C0878544, MONDO:0004994, HP:0001638. Inheritance: Various modes of inheritance.

Allele frequency attached by ClinVar (database versions not stated): TOPMed 0.00003; gnomAD exomes 0.00005; gnomAD 0.00006.
gnomAD v4.1: 74 of 1,613,882 alleles (0.0046%); highest among the groups gnomAD compares: Admixed American, 0.11%; 1 homozygote.

Submissions (6):

PreventionGenetics, part of Exact Sciences
Classification: Uncertain significance for TTN-related condition. Last evaluated: 2026-06-23. Review status: criteria provided, single submitter. Criteria: ACMG Guidelines, 2015. Collection method: clinical testing. Allele origin: germline.
Comment: The TTN c.106044C>A variant is predicted to result in the amino acid substitution p.Asn35348Lys. To our knowledge, this variant has not been reported in the literature. This variant is reported in 0.10% of alleles in individuals of Latino descent in gnomAD. Although we suspect that this variant may be benign, at this time, the clinical significance of this variant is uncertain due to the absence of conclusive functional and genetic evidence.

Labcorp Genetics (formerly Invitae), Labcorp
Classification: Likely benign for Dilated cardiomyopathy 1G; Autosomal recessive limb-girdle muscular dystrophy type 2J. Last evaluated: 2026-01-04. Review status: criteria provided, single submitter. Criteria: Invitae Variant Classification Sherloc (09022015). Collection method: clinical testing. Allele origin: germline.

CHEO Genetics Diagnostic Laboratory, Children's Hospital of Eastern Ontario
Classification: Benign for Cardiomyopathy. Last evaluated: 2021-08-27. Review status: criteria provided, single submitter. Criteria: ACMG Guidelines, 2015. Collection method: clinical testing. Allele origin: germline.

GeneDx
Classification: Likely benign. Last evaluated: 2020-11-23. Review status: criteria provided, single submitter. Criteria: GeneDx Variant Classification Process June 2021. Collection method: clinical testing. Allele origin: germline. Affected: yes.

Ambry Genetics
Classification: Uncertain significance for Cardiovascular phenotype. Last evaluated: 2019-06-24. Review status: criteria provided, single submitter. Criteria: Ambry Variant Classification Scheme 2023. Collection method: clinical testing. Allele origin: germline.
Comment: The p.N26283K variant (also known as c.78849C>A), located in coding exon 185 of the TTN gene, results from a C to A substitution at nucleotide position 78849. The asparagine at codon 26283 is replaced by lysine, an amino acid with similar properties. This amino acid position is not well conserved in available vertebrate species. In addition, this alteration is predicted to be tolerated by in silico analysis. Since supporting evidence is limited at this time, the clinical significance of this alteration remains unclear.

Eurofins Ntd Llc (ga)
Classification: Uncertain significance. Last evaluated: 2015-07-14. Review status: criteria provided, single submitter. Criteria: EGL Classification Definitions 2015. Collection method: clinical testing. Allele origin: germline. Observed: 1 variant allele, 1 heterozygote.

NM_001267550.2(TTN):c.106044C>A (p.Asn35348Lys)

Genes: TTN (titin; minus strand), TTN-AS1 (TTN antisense RNA 1; plus strand), LOC129935182 (ATAC-STARR-seq lymphoblastoid active region 16807; plus strand). Cytogenetic location: 2q31.2.
Variant type: single nucleotide variant.
Coding change: c.106044C>A on transcript NM_001267550.2 (MANE Select); coding-DNA position 106044, C replaced by A.
Protein change: p.Asn35348Lys; replaces asparagine 35348 with lysine.
Molecular consequence: missense variant.
Genome position (GRCh38, 1-based): chr2:178,530,571, G>T on the plus strand (C>A on the coding strand, the complement: TTN is on the minus strand). VCF-style: chr2-178530571-G-T. GRCh37 (hg19) VCF-style: chr2-179395298-G-T.
Other names: c.101121C>A, p.Asn33707Lys (NM_001256850.1); c.78849C>A, p.Asn26283Lys (NM_003319.4); c.98340C>A, p.Asn32780Lys (NM_133378.4); c.79224C>A, p.Asn26408Lys (NM_133432.3); c.79425C>A, p.Asn26475Lys (NM_133437.4); short protein forms N35348K, N33707K, N32780K, N26408K, N26475K, N26283K.
Identifiers: ClinVar variation 238697 (VCV000238697.22), dbSNP rs145560044, ClinGen allele CA1985172.